The following is an entry in ClinVar:

NM_001099857.5(IKBKG):c.768+9G>A

Gene: IKBKG (inhibitor of nuclear factor kappa B kinase regulatory subunit gamma; plus strand). Cytogenetic location: Xq28.
Variant type: single nucleotide variant.
Coding change: c.768+9G>A on transcript NM_001099857.5 (MANE Select); 9 bases into the intron after coding-DNA position 768, G replaced by A.
Molecular consequence: intron variant.
Genome position (GRCh38, 1-based): chrX:154,561,793, G>A. VCF-style: chrX-154561793-G-A. GRCh37 (hg19) VCF-style: chrX-153790008-G-A.
Other names: c.768+9G>A (NM_001377312.1, NM_001321396.3, NM_003639.4); c.765+9G>A (NM_001377313.1, NM_001321397.3); c.972+9G>A (NM_001099856.6); c.615+9G>A (NM_001145255.4); c.612+9G>A (NM_001377314.1); c.400-1017G>A (NM_001377315.1).
Identifiers: ClinVar variation 4848760 (VCV004848760.1).
Genomic context (GRCh38, chrX:154,561,793, plus strand): 5'-AGAATACGACAACCACATCAAGAGCAGCGTGGTGGGCAGTGAGCGGAAGCGAGTGAGTGC[G>A]ACCACTGGGGCTCTAGGGCTGGCCTTGCCTCTTCCTCTCCCCGTGGCCCTGAACCTTGAG-3'

ClinVar aggregate classification (germline): Likely benign (1 of 4 stars; one submission).

Submission:

Women's Health and Genetics/Laboratory Corporation of America, LabCorp
Classification: Likely benign. Last evaluated: 2026-04-08. Review status: criteria provided, single submitter. Criteria: LabCorp Variant Classification Summary - May 2015. Collection method: clinical testing. Allele origin: germline.
Comment: Variant summary: IKBKG c.768+9G>A alters a non-conserved nucleotide located at a position not widely known to affect splicing. Consensus agreement among computation tools predict no significant impact on normal splicing. However, these predictions have yet to be confirmed by functional studies. The frequency of this variant in the general population could not be determined as the technology used for large population databases (ExAC, gnomAD, ESP, 1000G) cannot detect variants of this type. The available data on variant occurrences in the general population are insufficient to allow any conclusion about variant significance. To our knowledge, no occurrence of c.768+9G>A in individuals affected with IKBKG-related conditions and no experimental evidence demonstrating its impact on protein function have been reported. No submitters have cited clinical-significance assessments for this variant to ClinVar. Based on the evidence outlined above, the variant was classified as likely benign.